The following is an entry in ClinVar:

ClinVar aggregate classification (germline): Likely pathogenic (1 of 4 stars; one submission).

Conditions:
Malan overgrowth syndrome (MALNS). Also called: Sotos syndrome 2; MALAN SYNDROME; NFIX-Related Malan Syndrome. Identifiers: Orphanet 420179, MedGen C3553660, MONDO:0013885, OMIM 614753.
Marshall-Smith syndrome (MRSHSS). Identifiers: Orphanet 561, MedGen C0265211, MONDO:0011244, OMIM 602535.

Submission:

Department Of Medical Genetics, Apollo Hospitals
Classification: Likely pathogenic for Malan overgrowth syndrome; Marshall-Smith syndrome. Review status: criteria provided, single submitter. Criteria: ACMG Guidelines, 2015. Collection method: clinical testing. Allele origin: unknown. Inheritance: Autosomal dominant inheritance. Affected: yes. Observed: 1 heterozygote.
Comment: Protein Truncating Variants (PTVs) in exons 6-8 have been associated with Malan Syndrome previously. Experimental evidence shows that these variant mRNAs are likely to be cleared by Nonsense Mediated Decay, leading to haploinsufficiency, as the underlying mechanism (PMID: 29897170). Variants associated with Marshall-Smith syndrome create translational stop codons in exon 9, 10 or 11. Experimental studies shows that these variants cannot activate NMD (PMID: 29897170). The identified frameshift variant c.1112del (NM_001365902.3) is located in exon 8 resulting in a downstream stop codon (p.Phe371Serfs*30), within exon 8.

NM_001365902.3(NFIX):c.1112del (p.Phe371fs)

Gene: NFIX (nuclear factor I X; plus strand). Cytogenetic location: 19p13.13.
Variant type: Deletion.
Coding change: c.1112del on transcript NM_001365902.3 (MANE Select); coding-DNA position 1112, one base deleted (T; older notation c.1112delT).
Protein change: p.Phe371fs; shifts the reading frame from phenylalanine 371.
Molecular consequence: frameshift variant.
Genome position (GRCh38, 1-based): chr19:13,081,713, T deleted; the last of 2 consecutive T bases (chr19:13,081,712-13,081,713); deleting either gives the same sequence. VCF-style (leftmost placement, unchanged base first): chr19-13081711-CT-C. GRCh37 (hg19) VCF-style: chr19-13192525-CT-C.
Other names: c.1136del, p.Phe379fs (NM_001271043.2); c.1088del, p.Phe363fs (NM_001271044.3, NM_001378404.1); c.989del, p.Phe330fs (NM_001365982.2); c.971del, p.Phe324fs (NM_001365983.2); c.1109del, p.Phe370fs (NM_001365984.2, NM_001365985.2); c.1160del, p.Phe387fs (NM_001378405.1); c.1112del, p.Phe371fs (NM_002501.4); short protein forms F324fs, F330fs, F363fs, F370fs, F371fs, F379fs, F387fs.
Identifiers: ClinVar variation 3601005 (VCV003601005.2).